The following is an entry in ClinVar:

ClinVar aggregate classification (germline): Likely benign (0 of 4 stars; one submission).

Conditions:
NUP160-related disorder. Also called: NUP160-related condition.

Allele frequency attached by ClinVar (database versions not stated): TOPMed below 0.00001; gnomAD exomes 0.00001.
gnomAD v4.1: 13 of 1,595,710 alleles (0.00081%); highest among the groups gnomAD compares: Middle Eastern, 0.066%; no homozygotes.

Submission:

PreventionGenetics, part of Exact Sciences
Classification: Likely benign for NUP160-related condition. Last evaluated: 2020-09-28. Review status: no assertion criteria provided. Collection method: clinical testing. Allele origin: germline.
Comment: This variant is classified as likely benign based on ACMG/AMP sequence variant interpretation guidelines (Richards et al. 2015 PMID: 25741868, with internal and published modifications).

NM_015231.3(NUP160):c.3410-4A>G

Gene: NUP160 (nucleoporin 160; minus strand). Cytogenetic location: 11p11.2.
Variant type: single nucleotide variant.
Coding change: c.3410-4A>G on transcript NM_015231.3 (MANE Select); 4 bases into the intron before coding-DNA position 3410, A replaced by G.
Molecular consequence: intron variant.
Genome position (GRCh38, 1-based): chr11:47,788,615, T>C on the plus strand (A>G on the coding strand, the complement: NUP160 is on the minus strand). VCF-style: chr11-47788615-T-C. GRCh37 (hg19) VCF-style: chr11-47810167-T-C.
Identifiers: ClinVar variation 3054899 (VCV003054899.2), dbSNP rs749581419, ClinGen allele CA221743586.